The following is an entry in ClinVar:

ClinVar aggregate classification (germline): Likely benign. Review status: criteria provided, single submitter (1 of 4 stars). 3 submissions from 3 submitters: Likely benign (1). 2 of the submissions do not count toward it. Last evaluated 2022-07-01.

Conditions:
IFRD1-related disorder. Also called: IFRD1-related condition.
Charcot-Marie-Tooth disease. Also called: Charcot-Marie-Tooth Hereditary Neuropathy; Charcot-Marie-Tooth Neuropathy. Identifiers: Orphanet 166, MedGen C0007959, MONDO:0015626.

Allele frequency attached by ClinVar (database versions not stated): gnomAD exomes 0.00032 and 0.00044; ExAC 0.00048; 1000 Genomes Project 30x 0.00109; gnomAD 0.00122 and 0.00132; TOPMed 0.00122; 1000 Genomes Project 0.00140; ESP Exome Variant Server 0.00146.
gnomAD v4.1: 659 of 1,613,922 alleles (0.041%); highest among the groups gnomAD compares: African/African-American, 0.29%; no homozygotes.

Submissions (3):

CeGaT Center for Human Genetics Tuebingen
Classification: Likely benign. Last evaluated: 2022-07-01. Review status: criteria provided, single submitter. Criteria: CeGaT Center For Human Genetics Tuebingen Variant Classification Criteria Version 2. Collection method: clinical testing. Allele origin: germline. Affected: yes. Observed: 1 variant allele.
Comment: IFRD1: BP4

PreventionGenetics, part of Exact Sciences
Classification: Likely benign for IFRD1-related condition. Last evaluated: 2023-05-22. Review status: no assertion criteria provided. Collection method: clinical testing. Allele origin: germline. Not counted in ClinVar's aggregate classification.
Comment: This variant is classified as likely benign based on ACMG/AMP sequence variant interpretation guidelines (Richards et al. 2015 PMID: 25741868, with internal and published modifications).

Inherited Neuropathy Consortium
Classification: Uncertain significance for Charcot-Marie-Tooth disease. Review status: no assertion criteria provided. Collection method: literature only. Allele origin: germline. Affected: yes. Not counted in ClinVar's aggregate classification.

Literature cited by the submitters: PubMed 19409521 (cited by Inherited Neuropathy Consortium).

NM_001550.4(IFRD1):c.514A>G (p.Ile172Val)

Gene: IFRD1 (interferon related developmental regulator 1; plus strand). Cytogenetic location: 7q31.1.
Variant type: single nucleotide variant.
Coding change: c.514A>G on transcript NM_001550.4 (MANE Select); coding-DNA position 514, A replaced by G.
Protein change: p.Ile172Val; replaces isoleucine 172 with valine.
Molecular consequence: missense variant.
Genome position (GRCh38, 1-based): chr7:112,458,965, A>G. VCF-style: chr7-112458965-A-G. GRCh37 (hg19) VCF-style: chr7-112099020-A-G.
Other names: c.514A>G (NM_001007245.2); c.514A>G, p.Ile172Val (NM_001007245.3); c.364A>G, p.Ile122Val (NM_001197079.2, NM_001197080.2); short protein forms I172V, I122V.
Identifiers: ClinVar variation 637690 (VCV000637690.26), dbSNP rs150651401, ClinGen allele CA4443608.